The following is an entry in ClinVar:

ClinVar aggregate classification (germline): Uncertain significance. Review status: criteria provided, multiple submitters, no conflicts (2 of 4 stars). 2 submissions from 2 submitters: Uncertain significance (2). Last evaluated 2024-11-04.

Conditions:
MYL2-related disorder. Also called: MYL2-related condition; MYL2-related disease; MYL2-related disorders.

Submissions (2):

PreventionGenetics, part of Exact Sciences
Classification: Uncertain significance for MYL2-related condition. Last evaluated: 2024-11-04. Review status: criteria provided, single submitter. Criteria: ACMG Guidelines, 2015. Collection method: clinical testing. Allele origin: germline.
Comment: The MYL2 c.389T>G variant is predicted to result in the amino acid substitution p.Phe130Cys. To our knowledge, this variant has not been reported in the literature or in a large population database (gnomAD), indicating this variant is rare. At this time, the clinical significance of this variant is uncertain due to the absence of conclusive functional and genetic evidence.

Laboratory for Molecular Medicine, Mass General Brigham Personalized Medicine
Classification: Uncertain significance. Last evaluated: 2017-12-08. Review status: criteria provided, single submitter. Criteria: LMM Criteria. Collection method: clinical testing. Allele origin: germline. Observed: 1 variant allele.
Comment: The p.Phe130Cys variant in MYL2 has not been previously reported in individuals with cardiomyopathy or in large population studies. Phenylalanine (Phe) at posit ion 130 is highly conserved in mammals and across evolutionarily distant species and the change to Phenylalanine (Phe) was predicted to be pathogenic using a co mputational tool clinically validated by our laboratory. This tool's pathogenic prediction is estimated to be correct 94% of the time (Jordan 2011). In summary, the clinical significance of the p.Phe130Cys variant is uncertain. ACMG/AMP Cri teria applied: PM2; PP3.

NM_000432.4(MYL2):c.389T>G (p.Phe130Cys)

Gene: MYL2 (myosin light chain 2; minus strand). Cytogenetic location: 12q24.11.
Variant type: single nucleotide variant.
Coding change: c.389T>G on transcript NM_000432.4 (MANE Select); coding-DNA position 389, T replaced by G.
Protein change: p.Phe130Cys; replaces phenylalanine 130 with cysteine.
Molecular consequence: missense variant.
Genome position (GRCh38, 1-based): chr12:110,913,109, A>C on the plus strand (T>G on the coding strand, the complement: MYL2 is on the minus strand). VCF-style: chr12-110913109-A-C. GRCh37 (hg19) VCF-style: chr12-111350913-A-C.
Other names: short protein forms F130C.
Identifiers: ClinVar variation 179712 (VCV000179712.5), dbSNP rs727505071, ClinGen allele CA010261.